The following is an entry in ClinVar:

NM_004727.3(SLC24A1):c.2634G>A (p.Gln878=)

Gene: SLC24A1 (solute carrier family 24 member 1; plus strand). Cytogenetic location: 15q22.31.
Variant type: single nucleotide variant.
Coding change: c.2634G>A on transcript NM_004727.3 (MANE Select); coding-DNA position 2634, G replaced by A.
Protein change: p.Gln878=; no amino-acid change (glutamine 878 retained).
Molecular consequence: synonymous variant.
Genome position (GRCh38, 1-based): chr15:65,650,783, G>A. VCF-style: chr15-65650783-G-A. GRCh37 (hg19) VCF-style: chr15-65943121-G-A.
Other names: c.615G>A, p.Gln205= (NM_001254740.2); c.2634G>A, p.Gln878= (NM_001301031.1); c.2580G>A, p.Gln860= (NM_001301032.1, NM_001301033.2); c.2292G>A, p.Gln764= (NM_001411142.1).
Identifiers: ClinVar variation 2907607 (VCV002907607.10), dbSNP rs761917773, ClinGen allele CA7620172.

ClinVar aggregate classification (germline): Likely benign. Review status: criteria provided, multiple submitters, no conflicts (2 of 4 stars). 2 submissions from 2 submitters: Likely benign (2). Last evaluated 2025-09-01.

Allele frequency attached by ClinVar (database versions not stated): TOPMed 0.00001; ExAC 0.00002.

Submissions (2):

CeGaT Center for Human Genetics Tuebingen
Classification: Likely benign. Last evaluated: 2025-09-01. Review status: criteria provided, single submitter. Criteria: CeGaT Center For Human Genetics Tuebingen Variant Classification Criteria Version 2. Collection method: clinical testing. Allele origin: germline. Affected: yes. Observed: 1 variant allele.
Comment: SLC24A1: BP4, BP7

Labcorp Genetics (formerly Invitae), Labcorp
Classification: Likely benign. Last evaluated: 2024-01-26. Review status: criteria provided, single submitter. Criteria: Invitae Variant Classification Sherloc (09022015). Collection method: clinical testing. Allele origin: germline.